The following is an entry in ClinVar:

NM_000744.7(CHRNA4):c.775_840dup (p.Ser280_Val281insCysLeuThrValLeuValPheTyrLeuProSerGluCysGlyGluLysIleThrLeuCysIleSer)

Gene: CHRNA4 (cholinergic receptor nicotinic alpha 4 subunit; minus strand). Cytogenetic location: 20q13.33.
Variant type: Duplication.
Coding change: c.775_840dup on transcript NM_000744.7 (MANE Select); coding-DNA positions 775 to 840, 66 bases duplicated.
Protein change: p.Ser280_Val281insCysLeuThrValLeuValPheTyrLeuProSerGluCysGlyGluLysIleThrLeuCysIleSer.
Molecular consequence: inframe insertion. On other transcripts: non-coding transcript variant (1).
Genome position (GRCh38, 1-based): chr20:63,350,571-63,350,636, 66 bases duplicated. GRCh37 (hg19): chr20:61,981,930-61,981,995.
Other names: c.247_312dup, p.Ser104_Val105insCysLeuThrValLeuValPheTyrLeuProSerGluCysGlyGluLysIleThrLeuCysIleSer (NM_001256573.2).
Identifiers: ClinVar variation 2968070 (VCV002968070.3), dbSNP rs1568810071, ClinGen allele CA920252043.

ClinVar aggregate classification (germline): Uncertain significance (1 of 4 stars; one submission).

Conditions:
Familial sleep-related hypermotor epilepsy. Also called: Autosomal Dominant Sleep-Related Hypermotor (Hyperkinetic) Epilepsy. Identifiers: Orphanet 98784, MedGen C3696898, MONDO:0000030.

Submission:

Labcorp Genetics (formerly Invitae), Labcorp
Classification: Uncertain significance. Last evaluated: 2023-09-22. Review status: criteria provided, single submitter. Criteria: Invitae Variant Classification Sherloc (09022015). Collection method: clinical testing. Allele origin: germline.
Comment: This variant, c.775_840dup, results in the insertion of 22 amino acid(s) of the CHRNA4 protein (p.Cys259_Ser280dup), but otherwise preserves the integrity of the reading frame. This variant is not present in population databases (gnomAD no frequency). This variant has not been reported in the literature in individuals affected with CHRNA4-related conditions. In summary, the available evidence is currently insufficient to determine the role of this variant in disease. Therefore, it has been classified as a Variant of Uncertain Significance.